The following is an entry in ClinVar:

NM_005120.3(MED12):c.5684C>T (p.Thr1895Ile)

Gene: MED12 (mediator complex subunit 12; plus strand). Cytogenetic location: Xq13.1.
Variant type: single nucleotide variant.
Coding change: c.5684C>T on transcript NM_005120.3 (MANE Select); coding-DNA position 5684, C replaced by T.
Protein change: p.Thr1895Ile; replaces threonine 1895 with isoleucine.
Molecular consequence: missense variant.
Genome position (GRCh38, 1-based): chrX:71,137,319, C>T. VCF-style: chrX-71137319-C-T. GRCh37 (hg19) VCF-style: chrX-70357169-C-T.
Other names: short protein forms T1895I.
Identifiers: ClinVar variation 2858690 (VCV002858690.3), dbSNP rs2519714182, ClinGen allele CA413537280.
Genomic context (GRCh38, chrX:71,137,319, plus strand): 5'-CTGGAGTGCTGCCCACAACCATGACTGGCGTCATGGGTTTAGAACCCTCCTCTTATAAGA[C>T]CTCTGTGTACCGGCAGCAGCAACCTGCGGTGCCCCAAGGACAGCGCCTTCGCCAACAGCT-3'
Protein context (NP_005111.2, residues 1885-1905): VMGLEPSSYK[Thr1895Ile]SVYRQQQPAV

ClinVar aggregate classification (germline): Uncertain significance (1 of 4 stars; one submission).

Conditions:
FG syndrome (FGS). Identifiers: MedGen C0220769, MONDO:0002010.

Submission:

Labcorp Genetics (formerly Invitae), Labcorp
Classification: Uncertain significance for FG syndrome. Last evaluated: 2023-12-12. Review status: criteria provided, single submitter. Criteria: Invitae Variant Classification Sherloc (09022015). Collection method: clinical testing. Allele origin: germline.
Comment: This sequence change replaces threonine, which is neutral and polar, with isoleucine, which is neutral and non-polar, at codon 1895 of the MED12 protein (p.Thr1895Ile). This variant is not present in population databases (gnomAD no frequency). This variant has not been reported in the literature in individuals affected with MED12-related conditions. Advanced modeling of protein sequence and biophysical properties (such as structural, functional, and spatial information, amino acid conservation, physicochemical variation, residue mobility, and thermodynamic stability) performed at Invitae indicates that this missense variant is not expected to disrupt MED12 protein function with a negative predictive value of 95%. In summary, the available evidence is currently insufficient to determine the role of this variant in disease. Therefore, it has been classified as a Variant of Uncertain Significance.